The following is an entry in ClinVar:

ClinVar aggregate classification (germline): Benign. Review status: criteria provided, multiple submitters, no conflicts (2 of 4 stars). 3 submissions from 3 submitters: Benign (2). 1 of the submissions does not count toward it. Last evaluated 2019-12-31.

Conditions:
TP53BP2-related disorder. Also called: TP53BP2-related condition.

Allele frequency attached by ClinVar (database versions not stated): ESP Exome Variant Server 0.00046; gnomAD exomes 0.00113 and 0.00536; TOPMed 0.00264; gnomAD 0.00277 and 0.00286; 1000 Genomes Project 30x 0.00375; 1000 Genomes Project 0.00379; ExAC 0.00435.
gnomAD v4.1: 2,099 of 1,614,156 alleles (0.13%); highest among the groups gnomAD compares: Admixed American, 3.2%; 39 homozygotes.

Submissions (3):

Labcorp Genetics (formerly Invitae), Labcorp
Classification: Benign. Last evaluated: 2019-12-31. Review status: criteria provided, single submitter. Criteria: Invitae Variant Classification Sherloc (09022015). Collection method: clinical testing. Allele origin: germline.

Breakthrough Genomics
Classification: Benign. Review status: criteria provided, single submitter. Criteria: ACMG Guidelines, 2015. Collection method: not provided. Allele origin: germline. Inheritance: Unknown mechanism. Affected: yes.

PreventionGenetics, part of Exact Sciences
Classification: Benign for TP53BP2-related condition. Last evaluated: 2019-02-20. Review status: no assertion criteria provided. Collection method: clinical testing. Allele origin: germline. Not counted in ClinVar's aggregate classification.
Comment: This variant is classified as benign based on ACMG/AMP sequence variant interpretation guidelines (Richards et al. 2015 PMID: 25741868, with internal and published modifications).

NM_001031685.3(TP53BP2):c.1707C>T (p.Gly569=)

Gene: TP53BP2 (tumor protein p53 binding protein 2; minus strand). Cytogenetic location: 1q41.
Variant type: single nucleotide variant.
Coding change: c.1707C>T on transcript NM_001031685.3 (MANE Select); coding-DNA position 1707, C replaced by T.
Protein change: p.Gly569=; no amino-acid change (glycine 569 retained).
Molecular consequence: synonymous variant.
Genome position (GRCh38, 1-based): chr1:223,798,456, G>A on the plus strand (C>T on the coding strand, the complement: TP53BP2 is on the minus strand). VCF-style: chr1-223798456-G-A. GRCh37 (hg19) VCF-style: chr1-223986158-G-A.
Other names: c.1320C>T, p.Gly440= (NM_005426.3).
Identifiers: ClinVar variation 788290 (VCV000788290.7), dbSNP rs146508776, ClinGen allele CA1412760.